The following is an entry in ClinVar:

ClinVar aggregate classification (germline): Uncertain significance (1 of 4 stars; one submission).

Submission:

Ambry Genetics
Classification: Uncertain significance. Last evaluated: 2024-11-16. Review status: criteria provided, single submitter. Criteria: Ambry Variant Classification Scheme 2023. Collection method: clinical testing. Allele origin: germline.
Comment: The p.W105C variant (also known as c.315G>T), located in coding exon 4 of the BUB1 gene, results from a G to T substitution at nucleotide position 315. The tryptophan at codon 105 is replaced by cysteine, an amino acid with highly dissimilar properties. This amino acid position is conserved. In addition, this alteration is predicted to be deleterious by in silico analysis. Based on the available evidence, the clinical significance of this variant remains unclear.

NM_004336.5(BUB1):c.315G>T (p.Trp105Cys)

Gene: BUB1 (BUB1 mitotic checkpoint serine/threonine kinase; minus strand). Cytogenetic location: 2q13.
Variant type: single nucleotide variant.
Coding change: c.315G>T on transcript NM_004336.5 (MANE Select); coding-DNA position 315, G replaced by T.
Protein change: p.Trp105Cys; replaces tryptophan 105 with cysteine.
Molecular consequence: missense variant.
Genome position (GRCh38, 1-based): chr2:110,672,768, C>A on the plus strand (G>T on the coding strand, the complement: BUB1 is on the minus strand). VCF-style: chr2-110672768-C-A. GRCh37 (hg19) VCF-style: chr2-111430345-C-A.
Other names: c.255G>T, p.Trp85Cys (NM_001278616.2); c.315G>T, p.Trp105Cys (NM_001278617.2); short protein forms W105C, W85C.
Identifiers: ClinVar variation 3483105 (VCV003483105.1).